The following is an entry in ClinVar:

NM_001134363.3(RBM20):c.422C>T (p.Ser141Phe)

Gene: RBM20 (RNA binding motif protein 20; plus strand). Cytogenetic location: 10q25.2.
Variant type: single nucleotide variant.
Coding change: c.422C>T on transcript NM_001134363.3 (MANE Select); coding-DNA position 422, C replaced by T.
Protein change: p.Ser141Phe; replaces serine 141 with phenylalanine.
Molecular consequence: missense variant.
Genome position (GRCh38, 1-based): chr10:110,781,031, C>T. VCF-style: chr10-110781031-C-T. GRCh37 (hg19) VCF-style: chr10-112540789-C-T.
Other names: short protein forms S141F.
Identifiers: ClinVar variation 3687132 (VCV003687132.2).

ClinVar aggregate classification (germline): Uncertain significance (1 of 4 stars; one submission).

Conditions:
Dilated cardiomyopathy 1DD (CMD1DD). Identifiers: Orphanet 154, MedGen C2750995, MONDO:0013168, OMIM 613172.

Submission:

Labcorp Genetics (formerly Invitae), Labcorp
Classification: Uncertain significance for Dilated cardiomyopathy 1DD. Last evaluated: 2024-07-02. Review status: criteria provided, single submitter. Criteria: Invitae Variant Classification Sherloc (09022015). Collection method: clinical testing. Allele origin: germline.
Comment: This sequence change replaces serine, which is neutral and polar, with phenylalanine, which is neutral and non-polar, at codon 141 of the RBM20 protein (p.Ser141Phe). This variant is not present in population databases (gnomAD no frequency). This variant has not been reported in the literature in individuals affected with RBM20-related conditions. Advanced modeling of protein sequence and biophysical properties (such as structural, functional, and spatial information, amino acid conservation, physicochemical variation, residue mobility, and thermodynamic stability) performed at Invitae indicates that this missense variant is not expected to disrupt RBM20 protein function with a negative predictive value of 95%. In summary, the available evidence is currently insufficient to determine the role of this variant in disease. Therefore, it has been classified as a Variant of Uncertain Significance.